The following is an entry in ClinVar:

ClinVar aggregate classification (germline): Benign/Likely benign. Review status: criteria provided, multiple submitters, no conflicts (2 of 4 stars). 11 submissions from 11 submitters: Benign (6); Likely benign (1). 4 of the submissions do not count toward it. Last evaluated 2026-02-01.

Conditions:
MYH6-related disorder. Also called: MYH6-related condition; MYH6-Related Disorders.
Hypertrophic cardiomyopathy 14. Identifiers: MedGen C2750467, MONDO:0013197, OMIM 613251.

Allele frequency attached by ClinVar (database versions not stated): gnomAD exomes 0.00037 and 0.00096; ExAC 0.00103; 1000 Genomes Project 0.00280; 1000 Genomes Project 30x 0.00297; ESP Exome Variant Server 0.00331; gnomAD 0.00331 and 0.00368; TOPMed 0.00396.
gnomAD v4.1: 1,053 of 1,614,022 alleles (0.065%); highest among the groups gnomAD compares: African/African-American, 1.2%; 10 homozygotes.

Submissions (11):

Labcorp Genetics (formerly Invitae), Labcorp
Classification: Benign for Hypertrophic cardiomyopathy 14. Last evaluated: 2026-02-01. Review status: criteria provided, single submitter. Criteria: Invitae Variant Classification Sherloc (09022015). Collection method: clinical testing. Allele origin: germline.

Blueprint Genetics
Classification: Likely benign. Last evaluated: 2024-10-17. Review status: criteria provided, single submitter. Criteria: ACMG Guidelines, 2015. Collection method: clinical testing. Allele origin: germline.

Women's Health and Genetics/Laboratory Corporation of America, LabCorp
Classification: Benign. Last evaluated: 2020-09-24. Review status: criteria provided, single submitter. Criteria: LabCorp Variant Classification Summary - May 2015. Collection method: clinical testing. Allele origin: germline.

GeneDx
Classification: Benign. Last evaluated: 2016-10-20. Review status: criteria provided, single submitter. Criteria: GeneDx Variant Classification (06012015). Collection method: clinical testing. Allele origin: germline. Affected: yes.
Comment: This variant is considered likely benign or benign based on one or more of the following criteria: it is a conservative change, it occurs at a poorly conserved position in the protein, it is predicted to be benign by multiple in silico algorithms, and/or has population frequency not consistent with disease.

Eurofins Ntd Llc (ga)
Classification: Benign. Last evaluated: 2014-12-16. Review status: criteria provided, single submitter. Criteria: EGL Classification Definitions 2015. Collection method: clinical testing. Allele origin: germline. Observed: 1 variant allele, 1 heterozygote.

Laboratory for Molecular Medicine, Mass General Brigham Personalized Medicine
Classification: Benign. Last evaluated: 2012-02-07. Review status: criteria provided, single submitter. Criteria: LMM Criteria. Collection method: clinical testing. Allele origin: germline. Observed: 9 variant alleles.

Breakthrough Genomics
Classification: Benign. Review status: criteria provided, single submitter. Criteria: ACMG Guidelines, 2015. Collection method: not provided. Allele origin: germline. Inheritance: Autosomal dominant inheritance. Affected: yes.

PreventionGenetics, part of Exact Sciences
Classification: Benign for MYH6-related condition. Last evaluated: 2019-09-18. Review status: no assertion criteria provided. Collection method: clinical testing. Allele origin: germline. Not counted in ClinVar's aggregate classification.
Comment: This variant is classified as benign based on ACMG/AMP sequence variant interpretation guidelines (Richards et al. 2015 PMID: 25741868, with internal and published modifications).

Clinical Genetics DNA and cytogenetics Diagnostics Lab, Erasmus MC, Erasmus Medical Center
Classification: Benign. Review status: no assertion criteria provided. Collection method: clinical testing. Allele origin: germline. Affected: yes. Study: VKGL Data-share Consensus. Not counted in ClinVar's aggregate classification.

Clinical Genetics, Academic Medical Center
Classification: Benign. Review status: no assertion criteria provided. Collection method: clinical testing. Allele origin: germline. Affected: yes. Study: VKGL Data-share Consensus. Not counted in ClinVar's aggregate classification.

Genome Diagnostics Laboratory, University Medical Center Utrecht
Classification: Benign. Review status: no assertion criteria provided. Collection method: clinical testing. Allele origin: germline. Affected: yes. Study: VKGL Data-share Consensus. Not counted in ClinVar's aggregate classification.

NM_002471.4(MYH6):c.4395G>A (p.Ser1465=)

Gene: MYH6 (myosin heavy chain 6; minus strand). Cytogenetic location: 14q11.2.
Variant type: single nucleotide variant.
Coding change: c.4395G>A on transcript NM_002471.4 (MANE Select); coding-DNA position 4395, G replaced by A.
Protein change: p.Ser1465=; no amino-acid change (serine 1465 retained).
Molecular consequence: synonymous variant.
Genome position (GRCh38, 1-based): chr14:23,387,888, C>T on the plus strand (G>A on the coding strand, the complement: MYH6 is on the minus strand). VCF-style: chr14-23387888-C-T. GRCh37 (hg19) VCF-style: chr14-23857097-C-T.
Identifiers: ClinVar variation 44512 (VCV000044512.26), dbSNP rs74039310, ClinGen allele CA134402.